The following is an entry in ClinVar:

ClinVar aggregate classification (germline): Likely benign (0 of 4 stars; one submission).

Conditions:
THADA-related disorder. Also called: THADA-related condition.

Allele frequency attached by ClinVar (database versions not stated): 1000 Genomes Project 0.00220; 1000 Genomes Project 30x 0.00234; gnomAD 0.00235; TOPMed 0.00251; ESP Exome Variant Server 0.00253; ExAC 0.00495.
gnomAD v4.1: 4,754 of 1,566,650 alleles (0.3%); highest among the groups gnomAD compares: South Asian, 0.71%; 17 homozygotes.

Submission:

PreventionGenetics, part of Exact Sciences
Classification: Likely benign for THADA-related condition. Last evaluated: 2019-06-28. Review status: no assertion criteria provided. Collection method: clinical testing. Allele origin: germline.
Comment: This variant is classified as likely benign based on ACMG/AMP sequence variant interpretation guidelines (Richards et al. 2015 PMID: 25741868, with internal and published modifications).

NM_022065.5(THADA):c.5221G>A (p.Glu1741Lys)

Gene: THADA (THADA armadillo repeat containing; minus strand). Cytogenetic location: 2p21.
Variant type: single nucleotide variant.
Coding change: c.5221G>A on transcript NM_022065.5 (MANE Select); coding-DNA position 5221, G replaced by A.
Protein change: p.Glu1741Lys; replaces glutamic acid 1741 with lysine.
Molecular consequence: missense variant. On other transcripts: non-coding transcript variant (2).
Genome position (GRCh38, 1-based): chr2:43,279,840, C>T on the plus strand (G>A on the coding strand, the complement: THADA is on the minus strand). VCF-style: chr2-43279840-C-T. GRCh37 (hg19) VCF-style: chr2-43506979-C-T.
Other names: c.5221G>A, p.Glu1741Lys (NM_001083953.2, NM_001345925.2); c.5218G>A, p.Glu1740Lys (NM_001345923.2); c.5098G>A, p.Glu1700Lys (NM_001345924.2); c.*1292G>A (NM_198554.1); short protein forms E1700K, E1740K, E1741K.
Identifiers: ClinVar variation 3043345 (VCV003043345.2), dbSNP rs112504846, ClinGen allele CA1631947.